The following is an entry in ClinVar:

ClinVar aggregate classification (germline): Uncertain significance (1 of 4 stars; one submission).

Conditions:
Emery-Dreifuss muscular dystrophy 5, autosomal dominant (EDMD5). Also called: EMERY-DREIFUSS MUSCULAR DYSTROPHY 5. Identifiers: Orphanet 261, MedGen C2751805, MONDO:0013072, OMIM 612999.

Allele frequency attached by ClinVar (database versions not stated): TOPMed below 0.00001; gnomAD exomes 0.00003; ExAC 0.00005; gnomAD 0.00007 and 0.00008; ESP Exome Variant Server 0.00008; 1000 Genomes Project 30x 0.00016; 1000 Genomes Project 0.00020.
gnomAD v4.1: 46 of 1,613,892 alleles (0.0029%); highest among the groups gnomAD compares: South Asian, 0.014%; no homozygotes.

Submission:

Labcorp Genetics (formerly Invitae), Labcorp
Classification: Uncertain significance for Emery-Dreifuss muscular dystrophy 5, autosomal dominant. Last evaluated: 2024-01-06. Review status: criteria provided, single submitter. Criteria: Invitae Variant Classification Sherloc (09022015). Collection method: clinical testing. Allele origin: germline.
Comment: This sequence change replaces proline, which is neutral and non-polar, with leucine, which is neutral and non-polar, at codon 4261 of the SYNE2 protein (p.Pro4261Leu). This variant is present in population databases (rs147278548, gnomAD 0.01%). This variant has not been reported in the literature in individuals affected with SYNE2-related conditions. ClinVar contains an entry for this variant (Variation ID: 935202). An algorithm developed to predict the effect of missense changes on protein structure and function (PolyPhen-2) suggests that this variant is likely to be disruptive. In summary, the available evidence is currently insufficient to determine the role of this variant in disease. Therefore, it has been classified as a Variant of Uncertain Significance.

NM_182914.3(SYNE2):c.12782C>T (p.Pro4261Leu)

Gene: SYNE2 (spectrin repeat containing nuclear envelope protein 2; plus strand). Cytogenetic location: 14q23.2.
Variant type: single nucleotide variant.
Coding change: c.12782C>T on transcript NM_182914.3 (MANE Select); coding-DNA position 12782, C replaced by T.
Protein change: p.Pro4261Leu; replaces proline 4261 with leucine.
Molecular consequence: missense variant.
Genome position (GRCh38, 1-based): chr14:64,113,513, C>T. VCF-style: chr14-64113513-C-T. GRCh37 (hg19) VCF-style: chr14-64580231-C-T.
Other names: c.12782C>T, p.Pro4261Leu (NM_015180.6); short protein forms P4261L.
Identifiers: ClinVar variation 935202 (VCV000935202.10), dbSNP rs147278548, ClinGen allele CA7222255.